The following is an entry in ClinVar:

NM_000057.4(BLM):c.1630G>A (p.Glu544Lys)

Gene: BLM (BLM RecQ like helicase; plus strand). Cytogenetic location: 15q26.1.
Variant type: single nucleotide variant.
Coding change: c.1630G>A on transcript NM_000057.4 (MANE Select); coding-DNA position 1630, G replaced by A.
Protein change: p.Glu544Lys; replaces glutamic acid 544 with lysine.
Molecular consequence: missense variant.
Genome position (GRCh38, 1-based): chr15:90,761,003, G>A. VCF-style: chr15-90761003-G-A. GRCh37 (hg19) VCF-style: chr15-91304233-G-A.
Other names: c.1630G>A, p.Glu544Lys (NM_001287246.2, NM_001287247.2); c.505G>A, p.Glu169Lys (NM_001287248.2); short protein forms E544K, E169K.
Identifiers: ClinVar variation 662763 (VCV000662763.8), dbSNP rs752494229, ClinGen allele CA7738566.
Genomic context (GRCh38, chr15:90,761,003, plus strand): 5'-GTTCTCACAAGCACTGCTGTGAAAGATCAGAATAAACATACTGCTTCAATAAATGACTTA[G>A]AAAGAGAAACCCAACCTTCCTATGATATTGATAATTTTGACATAGATGACTTTGATGATG-3'
Protein context (NP_000048.1, residues 534-554): NKHTASINDL[Glu544Lys]RETQPSYDID

ClinVar aggregate classification (germline): Uncertain significance. Review status: criteria provided, multiple submitters, no conflicts (2 of 4 stars). 3 submissions from 3 submitters: Uncertain significance (3). Last evaluated 2024-11-09.

Conditions:
Hereditary cancer-predisposing syndrome. Also called: Neoplastic Syndromes, Hereditary; Tumor predisposition; Hereditary neoplastic syndrome; Hereditary Cancer Syndrome. Identifiers: Orphanet 140162, MedGen C0027672, MeSH D009386, MONDO:0015356.
Bloom syndrome (BLM). Also called: Bloom-Torre-Machacek syndrome. Identifiers: Orphanet 125, MedGen C0005859, MONDO:0008876, OMIM 210900.

Allele frequency attached by ClinVar (database versions not stated): gnomAD 0.00001; ExAC 0.00002; gnomAD exomes 0.00002 and 0.00004.
gnomAD v4.1: 30 of 1,608,472 alleles (0.0019%); highest among the groups gnomAD compares: South Asian, 0.032%; no homozygotes.

Submissions (3):

Labcorp Genetics (formerly Invitae), Labcorp
Classification: Uncertain significance for Bloom syndrome. Last evaluated: 2024-11-09. Review status: criteria provided, single submitter. Criteria: Invitae Variant Classification Sherloc (09022015). Collection method: clinical testing. Allele origin: germline.
Comment: This sequence change replaces glutamic acid, which is acidic and polar, with lysine, which is basic and polar, at codon 544 of the BLM protein (p.Glu544Lys). This variant is present in population databases (rs752494229, gnomAD 0.03%). This variant has not been reported in the literature in individuals affected with BLM-related conditions. ClinVar contains an entry for this variant (Variation ID: 662763). Invitae Evidence Modeling of protein sequence and biophysical properties (such as structural, functional, and spatial information, amino acid conservation, physicochemical variation, residue mobility, and thermodynamic stability) indicates that this missense variant is not expected to disrupt BLM protein function with a negative predictive value of 80%. In summary, the available evidence is currently insufficient to determine the role of this variant in disease. Therefore, it has been classified as a Variant of Uncertain Significance.

Ambry Genetics
Classification: Uncertain significance for Hereditary cancer-predisposing syndrome. Last evaluated: 2024-04-09. Review status: criteria provided, single submitter. Criteria: Ambry Variant Classification Scheme 2023. Collection method: clinical testing. Allele origin: germline.

Sema4
Classification: Uncertain significance for Hereditary cancer-predisposing syndrome. Last evaluated: 2021-12-17. Review status: criteria provided, single submitter. Criteria: Sema4 Curation Guidelines. Collection method: curation. Allele origin: germline.
Comment: To the best of our knowledge, the BLM c.1630G>A (p.E544K) variant has not been reported in individuals with BLM-related disease. This variant was observed in 10/29148 chromosomes in the South Asian population, according to the Genome Aggregation Database (PMID: 32461654). This variant has been reported in ClinVar (Variation ID: 662763). In silico tools suggest the impact of the variant on protein function is benign, though these predictions have not been confirmed by functional studies. The evidence is insufficient to meet ACMG/AMP criteria for classifying the variant as benign or pathogenic. Thus, the clinical significance of this variant is currently uncertain.